The following is an entry in ClinVar:

ClinVar aggregate classification (germline): Likely benign. Review status: criteria provided, multiple submitters, no conflicts (2 of 4 stars). 2 submissions from 2 submitters: Likely benign (2). Last evaluated 2024-07-24.

Conditions:
Familial thoracic aortic aneurysm and aortic dissection (TAAD). Also called: Thoracic aortic aneurysms and dissections. Identifiers: Orphanet 91387, MedGen C4707243, MONDO:0019625.
Aortic aneurysm, familial thoracic 4 (AAT4). Also called: AORTIC ANEURYSM/AORTIC DISSECTION AND PATENT DUCTUS ARTERIOSUS. Identifiers: MedGen C1851504, MONDO:0007568, OMIM 132900.

Allele frequency attached by ClinVar (database versions not stated): gnomAD exomes below 0.00001.
gnomAD v4.1: 1 of 1,607,840 alleles (0.000062%); highest among the groups gnomAD compares: Non-Finnish European, 0.000085%; no homozygotes.

Submissions (2):

Labcorp Genetics (formerly Invitae), Labcorp
Classification: Likely benign for Aortic aneurysm, familial thoracic 4. Last evaluated: 2024-07-24. Review status: criteria provided, single submitter. Criteria: Invitae Variant Classification Sherloc (09022015). Collection method: clinical testing. Allele origin: germline.

All of Us Research Program, National Institutes of Health
Classification: Likely benign for Familial thoracic aortic aneurysm and aortic dissection. Last evaluated: 2023-10-02. Review status: criteria provided, single submitter. Criteria: ACMG Guidelines, 2015. Collection method: clinical testing. Allele origin: germline. Inheritance: Autosomal dominant inheritance. Observed: 1 variant allele, 1 heterozygote.
Comment: This study involves interpretation of variants in research participants for the purpose of population health screening. Participant phenotype was not available at the time of variant classification. Additional details can be found in publication PMID: 35346344, PMCID: PMC8962531

NM_002474.3(MYH11):c.1750-11G>A

Gene: MYH11 (myosin heavy chain 11; minus strand). Cytogenetic location: 16p13.11.
Variant type: single nucleotide variant.
Coding change: c.1750-11G>A on transcript NM_002474.3 (MANE Select); 11 bases into the intron before coding-DNA position 1750, G replaced by A.
Molecular consequence: intron variant.
Genome position (GRCh38, 1-based): chr16:15,753,519, C>T on the plus strand (G>A on the coding strand, the complement: MYH11 is on the minus strand). VCF-style: chr16-15753519-C-T. GRCh37 (hg19) VCF-style: chr16-15847376-C-T.
Other names: c.1750-11G>A (NM_022844.3); c.1771-11G>A (NM_001040114.2, NM_001040113.2).
Identifiers: ClinVar variation 3073597 (VCV003073597.3), dbSNP rs2506329431, ClinGen allele CA2631945715.